The following is an entry in ClinVar:

ClinVar aggregate classification (germline): Benign (1 of 4 stars; one submission).

gnomAD v4.1: 204 of 1,565,354 alleles (0.013%); highest among the groups gnomAD compares: African/African-American, 0.2%; 2 homozygotes.

Submission:

Molecular Diagnostic Laboratory for Inherited Cardiovascular Disease, Montreal Heart Institute
Classification: Benign. Last evaluated: 2025-04-09. Review status: criteria provided, single submitter. Criteria: ACMG Guidelines, 2015. Collection method: clinical testing. Allele origin: germline. Affected: no.
Comment: BS1;BS2;BP7

NM_001035.3(RYR2):c.13329-28C>T

Gene: RYR2 (ryanodine receptor 2; plus strand). Cytogenetic location: 1q43.
Variant type: single nucleotide variant.
Coding change: c.13329-28C>T on transcript NM_001035.3 (MANE Select); 28 bases into the intron before coding-DNA position 13329, C replaced by T.
Molecular consequence: intron variant.
Genome position (GRCh38, 1-based): chr1:237,787,960, C>T. VCF-style: chr1-237787960-C-T. GRCh37 (hg19) VCF-style: chr1-237951260-C-T.
Identifiers: ClinVar variation 3895067 (VCV003895067.1), dbSNP rs201400254.